The following is an entry in ClinVar:

NM_014714.4(IFT140):c.3789G>A (p.Pro1263=)

Gene: IFT140 (intraflagellar transport 140; minus strand). Cytogenetic location: 16p13.3.
Variant type: single nucleotide variant.
Coding change: c.3789G>A on transcript NM_014714.4 (MANE Select); coding-DNA position 3789, G replaced by A.
Protein change: p.Pro1263=; no amino-acid change (proline 1263 retained).
Molecular consequence: synonymous variant.
Genome position (GRCh38, 1-based): chr16:1,520,215, C>T on the plus strand (G>A on the coding strand, the complement: IFT140 is on the minus strand). VCF-style: chr16-1520215-C-T. GRCh37 (hg19) VCF-style: chr16-1570216-C-T.
Other names: c.3789G>A (NM_014714.3).
Identifiers: ClinVar variation 1150103 (VCV001150103.13), dbSNP rs769211167, ClinGen allele CA7813037.
Genomic context (GRCh38, chr16:1,520,215, plus strand): 5'-AGCCAGGAGGTCCAGGGCCCGCCCCTTGGTGTAGAAGCCGATGATGTTCTTCATGATCTC[C>T]GGCTCCTTCCGCCAGTCCAGGGACTGCAGGTAGTTAGCAGCCATGATGTAGATTTCCTTC-3'
Protein context (NP_055529.2, residues 1253-1273): YLQSLDWRKE[Pro1263=]EIMKNIIGFY

ClinVar aggregate classification (germline): Likely benign. Review status: criteria provided, multiple submitters, no conflicts (2 of 4 stars). 5 submissions from 5 submitters: Likely benign (5). Last evaluated 2025-12-18.

Conditions:
Saldino-Mainzer syndrome (SRTD9). Also called: CONORENAL SYNDROME; SHORT-RIB THORACIC DYSPLASIA 9 WITHOUT POLYDACTYLY; short-rib thoracic dysplasia 9 with or without polydactyly; Renal dysplasia, retinal pigmentary dystrophy, cerebellar ataxia and skeletal dysplasia. Identifiers: Orphanet 140969, MedGen C1849437, MONDO:0009964, OMIM 266920.
Retinitis pigmentosa 80 (RP80). Identifiers: MedGen C4540439, MONDO:0054708, OMIM 617781.
IFT140-related disorder. Also called: IFT140-related condition.
Retinal dystrophy. Also called: Inherited retinal dystrophy. Identifiers: Orphanet 71862, MedGen C0854723, MeSH D058499, MONDO:0019118, HP:0000556.

Allele frequency attached by ClinVar (database versions not stated): gnomAD 0.00001 and 0.00008; ExAC 0.00006; gnomAD exomes 0.00006; TOPMed 0.00006.
gnomAD v4.1: 98 of 1,614,230 alleles (0.0061%); highest among the groups gnomAD compares: East Asian, 0.085%; no homozygotes.

Submissions (5):

Labcorp Genetics (formerly Invitae), Labcorp
Classification: Likely benign for Saldino-Mainzer syndrome. Last evaluated: 2025-12-18. Review status: criteria provided, single submitter. Criteria: Invitae Variant Classification Sherloc (09022015). Collection method: clinical testing. Allele origin: germline.

PreventionGenetics, part of Exact Sciences
Classification: Likely benign for IFT140-related condition. Last evaluated: 2024-12-05. Review status: criteria provided, single submitter. Criteria: ACMG Guidelines, 2015. Collection method: clinical testing. Allele origin: germline.
Comment: This variant is classified as likely benign based on ACMG/AMP sequence variant interpretation guidelines (Richards et al. 2015 PMID: 25741868, with internal and published modifications).

Blueprint Genetics
Classification: Likely benign. Last evaluated: 2024-07-16. Review status: criteria provided, single submitter. Criteria: ACMG Guidelines, 2015. Collection method: clinical testing. Allele origin: germline.

Dept Of Ophthalmology, Nagoya University
Classification: Likely benign for Retinal dystrophy. Last evaluated: 2023-10-01. Review status: criteria provided, single submitter. Criteria: Submitter's publication. Collection method: research. Allele origin: germline. Affected: yes.

Fulgent Genetics
Classification: Likely benign for Saldino-Mainzer syndrome; Retinitis pigmentosa 80. Last evaluated: 2021-09-16. Review status: criteria provided, single submitter. Criteria: ACMG Guidelines, 2015. Collection method: clinical testing. Allele origin: unknown.